The following is an entry in ClinVar:

NM_001348768.2(HECW2):c.4554C>T (p.Asn1518=)

Gene: HECW2 (HECT, C2 and WW domain containing E3 ubiquitin protein ligase 2; minus strand). Cytogenetic location: 2q32.3.
Variant type: single nucleotide variant.
Coding change: c.4554C>T on transcript NM_001348768.2 (MANE Select); coding-DNA position 4554, C replaced by T.
Protein change: p.Asn1518=; no amino-acid change (asparagine 1518 retained).
Molecular consequence: synonymous variant.
Genome position (GRCh38, 1-based): chr2:196,215,918, G>A on the plus strand (C>T on the coding strand, the complement: HECW2 is on the minus strand). VCF-style: chr2-196215918-G-A. GRCh37 (hg19) VCF-style: chr2-197080642-G-A.
Other names: c.3486C>T, p.Asn1162= (NM_001304840.3); c.4554C>T, p.Asn1518= (NM_020760.4).
Identifiers: ClinVar variation 708316 (VCV000708316.32), dbSNP rs17310196, ClinGen allele CA2037488.

ClinVar aggregate classification (germline): Benign/Likely benign. Review status: criteria provided, multiple submitters, no conflicts (2 of 4 stars). 4 submissions from 4 submitters: Benign (2); Likely benign (1). 1 of the submissions does not count toward it. Last evaluated 2026-09-01.

Conditions:
HECW2-related disorder. Also called: HECW2-related condition.

Allele frequency attached by ClinVar (database versions not stated): 1000 Genomes Project 30x 0.00219; 1000 Genomes Project 0.00240; TOPMed 0.00476; gnomAD 0.00525 and 0.00546; gnomAD exomes 0.00580 and 0.00811; ExAC 0.00616; ESP Exome Variant Server 0.00661.
gnomAD v4.1: 12,534 of 1,613,780 alleles (0.78%); highest among the groups gnomAD compares: Non-Finnish European, 0.91%; 60 homozygotes.

Submissions (4):

CeGaT Center for Human Genetics Tuebingen
Classification: Likely benign. Last evaluated: 2026-09-01. Review status: criteria provided, single submitter. Criteria: CeGaT Center For Human Genetics Tuebingen Variant Classification Criteria Version 2. Collection method: clinical testing. Allele origin: germline. Affected: yes. Observed: 40 variant alleles.
Comment: HECW2: BP4, BP7, BS2

Labcorp Genetics (formerly Invitae), Labcorp
Classification: Benign. Last evaluated: 2019-02-27. Review status: criteria provided, single submitter. Criteria: Invitae Variant Classification Sherloc (09022015). Collection method: clinical testing. Allele origin: germline.

Breakthrough Genomics
Classification: Benign. Review status: criteria provided, single submitter. Criteria: ACMG Guidelines, 2015. Collection method: not provided. Allele origin: germline. Inheritance: Autosomal dominant inheritance. Affected: yes.

PreventionGenetics, part of Exact Sciences
Classification: Benign for HECW2-related condition. Last evaluated: 2019-04-26. Review status: no assertion criteria provided. Collection method: clinical testing. Allele origin: germline. Not counted in ClinVar's aggregate classification.
Comment: This variant is classified as benign based on ACMG/AMP sequence variant interpretation guidelines (Richards et al. 2015 PMID: 25741868, with internal and published modifications).